The following is an entry in ClinVar:

ClinVar aggregate classification (germline): Likely pathogenic. Review status: criteria provided, single submitter (1 of 4 stars). 2 submissions from 2 submitters: Likely pathogenic (1). 1 of the submissions does not count toward it. Last evaluated 2025-12-01.

Conditions:
Mega-corpus-callosum syndrome with cerebellar hypoplasia and cortical malformations. Identifiers: MedGen C4748927, MONDO:0032648, OMIM 618273.

Submissions (2):

CeGaT Center for Human Genetics Tuebingen
Classification: Likely pathogenic. Last evaluated: 2025-12-01. Review status: criteria provided, single submitter. Criteria: CeGaT Center For Human Genetics Tuebingen Variant Classification Criteria Version 2. Collection method: clinical testing. Allele origin: germline. Affected: yes. Observed: 1 variant allele.
Comment: MAST1: PM6:Strong, PM2, PM4:Supporting, PS4:Supporting

OMIM
Classification: Pathogenic for MEGA-CORPUS-CALLOSUM SYNDROME WITH CEREBELLAR HYPOPLASIA AND CORTICAL MALFORMATIONS. Last evaluated: 2019-01-10. Review status: no assertion criteria provided. Collection method: literature only. Allele origin: germline. Not counted in ClinVar's aggregate classification.

Literature cited by the submitters: PubMed 30449657 (cited by OMIM).

NM_014975.3(MAST1):c.826AAG[1] (p.Lys277del)

Gene: MAST1 (microtubule associated serine/threonine kinase 1; plus strand). Cytogenetic location: 19p13.13.
Variant type: Microsatellite.
Coding change: c.826AAG[1] on transcript NM_014975.3 (MANE Select); one copy of the 3-base unit AAG starting at c.826; the reference has two copies in a row; one copy, 3 bases deleted.
Protein change: p.Lys277del; deletes lysine 277.
Molecular consequence: inframe deletion.
Genome position (GRCh38, 1-based): chr19:12,851,988-12,851,990, AAG deleted; deleting any 3 consecutive bases within chr19:12,851,984-12,851,990 gives the same sequence; the position shown is the placement nearest the transcript's 3' end. VCF-style (leftmost placement, unchanged base first): chr19-12851983-TGAA-T. GRCh37 (hg19) VCF-style: chr19-12962797-TGAA-T.
Other names: short protein forms K277del.
Identifiers: ClinVar variation 599359 (VCV000599359.6), dbSNP rs1568409494, ClinGen allele CA913191243.
Genomic context (GRCh38, chr19:12,851,983, plus strand): 5'-CCCTGCCACAGGCCTATGAACGCTCTGAGAGCTTGGAGGTGGCCTTCGTTACTCAGCTGG[TGAA>T]GAAGTTGCTTATTATCATCTCACGCCCTGCGAGGCTGCTGGAGTGCCTGGTGAGGGGGCT-3'